The following is an entry in ClinVar:

NM_178857.6(RP1L1):c.159T>C (p.Val53=)

Gene: RP1L1 (RP1 like 1). Cytogenetic location: 8p23.1.
Variant type: single nucleotide variant.
Coding change: c.159T>C on transcript NM_178857.6 (MANE Select); coding-DNA position 159, T replaced by C.
Protein change: p.Val53=; no amino-acid change (valine 53 retained).
Molecular consequence: synonymous variant.
Genome position (GRCh38, 1-based): chr8:10,623,043, A>G on the plus strand (T>C on the coding strand, the complement: RP1L1 is on the minus strand). VCF-style: chr8-10623043-A-G. GRCh37 (hg19) VCF-style: chr8-10480553-A-G.
Other names: c.159T>C (NM_178857.5).
Identifiers: ClinVar variation 1895572 (VCV001895572.6), dbSNP rs372259414, ClinGen allele CA4625849.

ClinVar aggregate classification (germline): Likely benign. Review status: criteria provided, multiple submitters, no conflicts (2 of 4 stars). 2 submissions from 2 submitters: Likely benign (2). Last evaluated 2026-06-04.

Conditions:
RP1L1-related disorder. Also called: RP1L1-related condition.

Allele frequency attached by ClinVar (database versions not stated): gnomAD exomes 0.00001; ExAC 0.00002; TOPMed 0.00010; gnomAD 0.00011; ESP Exome Variant Server 0.00016.
gnomAD v4.1: 43 of 1,614,128 alleles (0.0027%); highest among the groups gnomAD compares: African/African-American, 0.043%; no homozygotes.

Submissions (2):

PreventionGenetics, part of Exact Sciences
Classification: Likely benign for RP1L1-related condition. Last evaluated: 2026-06-04. Review status: criteria provided, single submitter. Criteria: ACMG Guidelines, 2015. Collection method: clinical testing. Allele origin: germline.
Comment: This variant is classified as likely benign based on ACMG/AMP sequence variant interpretation guidelines (Richards et al. 2015 PMID: 25741868, with internal and published modifications).

Labcorp Genetics (formerly Invitae), Labcorp
Classification: Likely benign. Last evaluated: 2025-12-29. Review status: criteria provided, single submitter. Criteria: Invitae Variant Classification Sherloc (09022015). Collection method: clinical testing. Allele origin: germline.